The following is an entry in ClinVar:

NM_001376.5(DYNC1H1):c.13649G>A (p.Gly4550Asp)

Gene: DYNC1H1 (dynein cytoplasmic 1 heavy chain 1; plus strand). Cytogenetic location: 14q32.31.
Variant type: single nucleotide variant.
Coding change: c.13649G>A on transcript NM_001376.5 (MANE Select); coding-DNA position 13649, G replaced by A.
Protein change: p.Gly4550Asp; replaces glycine 4550 with aspartic acid.
Molecular consequence: missense variant.
Genome position (GRCh38, 1-based): chr14:102,049,847, G>A. VCF-style: chr14-102049847-G-A. GRCh37 (hg19) VCF-style: chr14-102516184-G-A.
Other names: short protein forms G4550D.
Identifiers: ClinVar variation 1366630 (VCV001366630.8), dbSNP rs2152601253, ClinGen allele CA391050703.

ClinVar aggregate classification (germline): Uncertain significance (1 of 4 stars; one submission).

Conditions:
Charcot-Marie-Tooth disease axonal type 2O. Also called: CHARCOT-MARIE-TOOTH NEUROPATHY, AXONAL, TYPE 2O; CHARCOT-MARIE-TOOTH DISEASE, AXONAL, AUTOSOMAL DOMINANT, TYPE 2O; Charcot-Marie-Tooth disease, axonal, type 20; Charcot-Marie-Tooth Neuropathy Type 2O. Identifiers: Orphanet 284232, MedGen C3280220, MONDO:0013644, OMIM 614228.

gnomAD v4.1: 1 of 1,613,864 alleles (0.000062%); highest among the groups gnomAD compares: Non-Finnish European, 0.000085%; no homozygotes.

Submission:

Labcorp Genetics (formerly Invitae), Labcorp
Classification: Uncertain significance for Charcot-Marie-Tooth disease axonal type 2O. Last evaluated: 2021-07-10. Review status: criteria provided, single submitter. Criteria: Invitae Variant Classification Sherloc (09022015). Collection method: clinical testing. Allele origin: germline.
Comment: This sequence change replaces glycine with aspartic acid at codon 4550 of the DYNC1H1 protein (p.Gly4550Asp). The glycine residue is weakly conserved and there is a moderate physicochemical difference between glycine and aspartic acid. This variant is not present in population databases (ExAC no frequency). This variant has not been reported in the literature in individuals affected with DYNC1H1-related conditions. Advanced modeling of protein sequence and biophysical properties (such as structural, functional, and spatial information, amino acid conservation, physicochemical variation, residue mobility, and thermodynamic stability) performed at Invitae indicates that this missense variant is not expected to disrupt DYNC1H1 protein function. In summary, the available evidence is currently insufficient to determine the role of this variant in disease. Therefore, it has been classified as a Variant of Uncertain Significance.